The following is an entry in ClinVar:

NM_032444.4(SLX4):c.3739G>C (p.Glu1247Gln)

Gene: SLX4 (SLX4 structure-specific endonuclease subunit; minus strand). Cytogenetic location: 16p13.3.
Variant type: single nucleotide variant.
Coding change: c.3739G>C on transcript NM_032444.4 (MANE Select); coding-DNA position 3739, G replaced by C.
Protein change: p.Glu1247Gln; replaces glutamic acid 1247 with glutamine.
Molecular consequence: missense variant.
Genome position (GRCh38, 1-based): chr16:3,589,899, C>G on the plus strand (G>C on the coding strand, the complement: SLX4 is on the minus strand). VCF-style: chr16-3589899-C-G. GRCh37 (hg19) VCF-style: chr16-3639900-C-G.
Other names: short protein forms E1247Q.
Identifiers: ClinVar variation 2011008 (VCV002011008.4), dbSNP rs978074181, ClinGen allele CA394519502.

ClinVar aggregate classification (germline): Uncertain significance (1 of 4 stars; one submission).

Conditions:
Fanconi anemia (FA). Also called: Fanconi's anemia. Identifiers: Orphanet 84, MedGen C0015625, MeSH D005199, MONDO:0019391.

Submission:

Labcorp Genetics (formerly Invitae), Labcorp
Classification: Uncertain significance for Fanconi anemia. Last evaluated: 2022-04-22. Review status: criteria provided, single submitter. Criteria: Invitae Variant Classification Sherloc (09022015). Collection method: clinical testing. Allele origin: germline.
Comment: This sequence change replaces glutamic acid, which is acidic and polar, with glutamine, which is neutral and polar, at codon 1247 of the SLX4 protein (p.Glu1247Gln). This variant is not present in population databases (gnomAD no frequency). This variant has not been reported in the literature in individuals affected with SLX4-related conditions. Algorithms developed to predict the effect of missense changes on protein structure and function are either unavailable or do not agree on the potential impact of this missense change (SIFT: "Tolerated"; PolyPhen-2: "Probably Damaging"; Align-GVGD: "Class C0"). In summary, the available evidence is currently insufficient to determine the role of this variant in disease. Therefore, it has been classified as a Variant of Uncertain Significance.